The following is an entry in ClinVar:

ClinVar aggregate classification (germline): Pathogenic (1 of 4 stars; one submission).

Conditions:
Achondrogenesis, type IA (ACG1A). Identifiers: Orphanet 932, Orphanet 93299, MedGen C0265273, MONDO:0008701, OMIM 200600.

Allele frequency attached by ClinVar (database versions not stated): gnomAD exomes below 0.00001; TOPMed below 0.00001; gnomAD 0.00001.
gnomAD v4.1: 4 of 1,613,866 alleles (0.00025%); highest among the groups gnomAD compares: Non-Finnish European, 0.00034%; no homozygotes.

Submission:

Labcorp Genetics (formerly Invitae), Labcorp
Classification: Pathogenic for Achondrogenesis, type IA. Last evaluated: 2023-11-16. Review status: criteria provided, single submitter. Criteria: Invitae Variant Classification Sherloc (09022015). Collection method: clinical testing. Allele origin: germline.
Comment: This sequence change creates a premature translational stop signal (p.Gln928*) in the TRIP11 gene. It is expected to result in an absent or disrupted protein product. Loss-of-function variants in TRIP11 are known to be pathogenic (PMID: 20089971, 23956106). This variant is present in population databases (no rsID available, gnomAD 0.0009%). This variant has not been reported in the literature in individuals affected with TRIP11-related conditions. ClinVar contains an entry for this variant (Variation ID: 1415474). For these reasons, this variant has been classified as Pathogenic.

Literature cited by the submitters: PubMed 20089971; PubMed 23956106.

NM_004239.4(TRIP11):c.2782C>T (p.Gln928Ter)

Gene: TRIP11 (thyroid hormone receptor interactor 11; minus strand). Cytogenetic location: 14q32.12.
Variant type: single nucleotide variant.
Coding change: c.2782C>T on transcript NM_004239.4 (MANE Select); coding-DNA position 2782, C replaced by T.
Protein change: p.Gln928Ter; replaces glutamine 928 with a stop codon.
Molecular consequence: nonsense.
Genome position (GRCh38, 1-based): chr14:92,005,194, G>A on the plus strand (C>T on the coding strand, the complement: TRIP11 is on the minus strand). VCF-style: chr14-92005194-G-A. GRCh37 (hg19) VCF-style: chr14-92471538-G-A.
Other names: c.2779C>T, p.Gln927Ter (NM_001321851.1); short protein forms Q928*, Q927*.
Identifiers: ClinVar variation 1415474 (VCV001415474.6), dbSNP rs1257379792, ClinGen allele CA390655898.